The following is an entry in ClinVar:

ClinVar aggregate classification (germline): Likely pathogenic (1 of 4 stars; one submission).

Conditions:
Systemic lupus erythematosus, susceptibility to, 1. Also called: Systemic lupus erythematosus 1. Identifiers: MedGen C1866373, MONDO:0011138, OMIM 601744.

Submission:

Diagnostics Services (NGS), CSIR - Centre For Cellular And Molecular Biology
Classification: Likely pathogenic for Systemic lupus erythematosus, susceptibility to, 1. Last evaluated: 2025-01-20. Review status: criteria provided, single submitter. Criteria: ACMG Guidelines, 2015. Collection method: clinical testing. Allele origin: unknown. Affected: yes. Observed: 1 variant allele, 1 heterozygote.
Comment: The c.603dup variant is not present in publicly available population databases like 1000 Genomes, EVS, Indian Exome Database or our internal database. The variant is present in gnomAD at a low frequency. This variant has neither been reported in the literature in individuals affected with TLR5-related conditions nor reported to clinical databases like Human Genome Mutation Database (HGMD), ClinVar or OMIM, in any affected individuals. In-silico pathogenicity prediction programs like MutationTaster2021, CADD, Franklin etc predicted this variant to be likely deleterious. This variant creates a premature translational stop-signal at the 202nd amino acid position of the wild-type transcript that may either result in the translation of a truncated protein or cause nonsense-mediated decay of the mRNA.

NM_003268.6(TLR5):c.603dup (p.Ser202Ter)

Gene: TLR5 (toll like receptor 5; minus strand). Cytogenetic location: 1q41.
Variant type: Duplication.
Coding change: c.603dup on transcript NM_003268.6 (MANE Select); coding-DNA position 603, one base duplicated (T; older notation c.603dupT).
Protein change: p.Ser202Ter; replaces serine 202 with a stop codon.
Molecular consequence: nonsense.
Genome position (GRCh38, 1-based): chr1:223,112,429, A duplicated on the plus strand (T on the coding strand, the reverse complement: TLR5 is on the minus strand); the first of 6 consecutive A bases (chr1:223,112,429-223,112,434); duplicating any one gives the same sequence. VCF-style (leftmost placement, unchanged base first): chr1-223112428-T-TA. GRCh37 (hg19) VCF-style: chr1-223285770-T-TA.
Other names: short protein forms S202*.
Identifiers: ClinVar variation 3767955 (VCV003767955.1).